The following is an entry in ClinVar:

ClinVar aggregate classification (germline): Uncertain significance (1 of 4 stars; one submission).

Conditions:
Catecholaminergic polymorphic ventricular tachycardia 1. Also called: RYR2-Related Catecholaminergic Polymorphic Ventricular Tachycardia; VENTRICULAR TACHYCARDIA, CATECHOLAMINERGIC POLYMORPHIC, 1, WITH OR WITHOUT ATRIAL DYSFUNCTION AND/OR DILATED CARDIOMYOPATHY; VENTRICULAR TACHYCARDIA, STRESS-INDUCED POLYMORPHIC 1. Identifiers: Orphanet 3286, MedGen C1631597, MONDO:0011484, OMIM 604772.

Submission:

Labcorp Genetics (formerly Invitae), Labcorp
Classification: Uncertain significance for Catecholaminergic polymorphic ventricular tachycardia 1. Last evaluated: 2025-11-06. Review status: criteria provided, single submitter. Criteria: Invitae Variant Classification Sherloc (09022015). Collection method: clinical testing. Allele origin: germline.
Comment: This sequence change replaces glycine, which is neutral and non-polar, with valine, which is neutral and non-polar, at codon 1569 of the RYR2 protein (p.Gly1569Val). This variant is not present in population databases (gnomAD no frequency). This variant has not been reported in the literature in individuals affected with RYR2-related conditions. Invitae Evidence Modeling of protein sequence and biophysical properties (such as structural, functional, and spatial information, amino acid conservation, physicochemical variation, residue mobility, and thermodynamic stability) indicates that this missense variant is not expected to disrupt RYR2 protein function with a negative predictive value of 95%. In summary, the available evidence is currently insufficient to determine the role of this variant in disease. Therefore, it has been classified as a Variant of Uncertain Significance.

NM_001035.3(RYR2):c.4706G>T (p.Gly1569Val)

Gene: RYR2 (ryanodine receptor 2; plus strand). Cytogenetic location: 1q43.
Variant type: single nucleotide variant.
Coding change: c.4706G>T on transcript NM_001035.3 (MANE Select); coding-DNA position 4706, G replaced by T.
Protein change: p.Gly1569Val; replaces glycine 1569 with valine.
Molecular consequence: missense variant.
Genome position (GRCh38, 1-based): chr1:237,610,784, G>T. VCF-style: chr1-237610784-G-T. GRCh37 (hg19) VCF-style: chr1-237774084-G-T.
Other names: short protein forms G1569V.
Identifiers: ClinVar variation 4714658 (VCV004714658.1).